The following is an entry in ClinVar:

ClinVar aggregate classification (germline): Uncertain significance. Review status: criteria provided, multiple submitters, no conflicts (2 of 4 stars). 2 submissions from 2 submitters: Uncertain significance (2). Last evaluated 2025-01-24.

Conditions:
Inborn genetic diseases. Identifiers: MedGen C0950123, MeSH D030342.

Allele frequency attached by ClinVar (database versions not stated): gnomAD exomes 0.00001 and 0.00002; ExAC 0.00003; gnomAD 0.00007; ESP Exome Variant Server 0.00008; TOPMed 0.00008.
gnomAD v4.1: 19 of 1,613,516 alleles (0.0012%); highest among the groups gnomAD compares: African/African-American, 0.024%; no homozygotes.

Submissions (2):

Ambry Genetics
Classification: Uncertain significance for Inborn genetic diseases. Last evaluated: 2025-01-24. Review status: criteria provided, single submitter. Criteria: Ambry Variant Classification Scheme 2023. Collection method: clinical testing. Allele origin: germline.

Labcorp Genetics (formerly Invitae), Labcorp
Classification: Uncertain significance. Last evaluated: 2022-08-31. Review status: criteria provided, single submitter. Criteria: Invitae Variant Classification Sherloc (09022015). Collection method: clinical testing. Allele origin: germline.
Comment: This sequence change replaces asparagine, which is neutral and polar, with serine, which is neutral and polar, at codon 117 of the TANGO2 protein (p.Asn117Ser). This variant is present in population databases (rs377229496, gnomAD 0.03%). This variant has not been reported in the literature in individuals affected with TANGO2-related conditions. ClinVar contains an entry for this variant (Variation ID: 1470486). Algorithms developed to predict the effect of missense changes on protein structure and function are either unavailable or do not agree on the potential impact of this missense change (SIFT: "Not Available"; PolyPhen-2: "Probably Damaging"; Align-GVGD: "Not Available"). In summary, the available evidence is currently insufficient to determine the role of this variant in disease. Therefore, it has been classified as a Variant of Uncertain Significance.

NM_152906.7(TANGO2):c.350A>G (p.Asn117Ser)

Gene: TANGO2 (transport and golgi organization 2 homolog; plus strand). Cytogenetic location: 22q11.21.
Variant type: single nucleotide variant.
Coding change: c.350A>G on transcript NM_152906.7 (MANE Select); coding-DNA position 350, A replaced by G.
Protein change: p.Asn117Ser; replaces asparagine 117 with serine.
Molecular consequence: missense variant. On other transcripts: non-coding transcript variant (1), intron variant (18).
Genome position (GRCh38, 1-based): chr22:20,053,521, A>G. VCF-style: chr22-20053521-A-G. GRCh37 (hg19) VCF-style: chr22-20041044-A-G.
Other names: c.350A>G, p.Asn117Ser (NM_001283106.3, NM_001283116.3, NM_001283148.3 and 3 more transcripts); c.473A>G, p.Asn158Ser (NM_001283129.3, NM_001283215.3, NM_001322141.2 and 3 more transcripts); c.248A>G, p.Asn83Ser (NM_001322146.2, NM_001322148.2, NM_001322160.2); c.265+937A>G (NM_001322163.2, NM_001283179.3, NM_001322167.2 and 4 more transcripts); c.86+937A>G (NM_001322174.2, NM_001322172.2, NM_001322175.2 and 6 more transcripts); c.388+937A>G (NM_001322145.2, NM_001322147.2); c.350A>G (NM_152906.4); short protein forms N158S, N117S, N83S.
Identifiers: ClinVar variation 1470486 (VCV001470486.5), dbSNP rs377229496, ClinGen allele CA10106293.
Genomic context (GRCh38, chr22:20,053,521, plus strand): 5'-CCACTGACGTGGACAGCTTGTCCTACCTGAAGAAGGTCTCTATGGAGGGCCATCTGTACA[A>G]TGGCTTCAACCTCATAGCAGCCGACCTGAGGTGGGTCTGCCAGAGGGGGATGGCGGCTCT-3'
Protein context (NP_690870.3, residues 107-127): KKVSMEGHLY[Asn117Ser]GFNLIAADLS